The following is an entry in ClinVar:

NM_000069.3(CACNA1S):c.3290C>A (p.Pro1097Gln)

Gene: CACNA1S (calcium voltage-gated channel subunit alpha1 S; minus strand). Cytogenetic location: 1q32.1.
Variant type: single nucleotide variant.
Coding change: c.3290C>A on transcript NM_000069.3 (MANE Select); coding-DNA position 3290, C replaced by A.
Protein change: p.Pro1097Gln; replaces proline 1097 with glutamine.
Molecular consequence: missense variant.
Genome position (GRCh38, 1-based): chr1:201,060,782, G>T on the plus strand (C>A on the coding strand, the complement: CACNA1S is on the minus strand). VCF-style: chr1-201060782-G-T. GRCh37 (hg19) VCF-style: chr1-201029910-G-T.
Other names: short protein forms P1097Q.
Identifiers: ClinVar variation 3073443 (VCV003073443.1), dbSNP rs1423160634, ClinGen allele CA344160990.

ClinVar aggregate classification (germline): Uncertain significance (1 of 4 stars; one submission).

Conditions:
Malignant hyperthermia, susceptibility to, 5 (MHS5). Also called: CACNA1S-Related Malignant Hyperthermia Susceptibility. Identifiers: Orphanet 423, MedGen C1866077, MONDO:0011163, OMIM 601887.

Allele frequency attached by ClinVar (database versions not stated): gnomAD exomes below 0.00001.
gnomAD v4.1: 1 of 1,614,208 alleles (0.000062%); highest among the groups gnomAD compares: Non-Finnish European, 0.000085%; no homozygotes.

Submission:

All of Us Research Program, National Institutes of Health
Classification: Uncertain significance for Malignant hyperthermia, susceptibility to, 5. Last evaluated: 2023-09-17. Review status: criteria provided, single submitter. Criteria: ACMG Guidelines, 2015. Collection method: clinical testing. Allele origin: germline. Inheritance: Autosomal dominant inheritance. Observed: 1 variant allele, 1 heterozygote.
Comment: This missense variant replaces proline with glutamine at codon 1097 of the CACNA1S protein. Computational prediction suggests that this variant may have deleterious impact on protein structure and function (internally defined REVEL score threshold >= 0.7, PMID: 27666373). To our knowledge, functional studies have not been reported for this variant. This variant has not been reported in individuals affected with CACNA1S-related disorders in the literature. This variant has not been identified in the general population by the Genome Aggregation Database (gnomAD). The available evidence is insufficient to determine the role of this variant in disease conclusively. Therefore, this variant is classified as a Variant of Uncertain Significance.

This study involves interpretation of variants in research participants for the purpose of population health screening. Participant phenotype was not available at the time of variant classification. Additional details can be found in publication PMID: 35346344, PMCID: PMC8962531